The following is an entry in ClinVar:

NM_007294.4(BRCA1):c.4834_4837delinsAGG (p.Gln1612fs)

Gene: BRCA1 (BRCA1 DNA repair associated; minus strand). Cytogenetic location: 17q21.31.
Variant type: Indel.
Coding change: c.4834_4837delinsAGG on transcript NM_007294.4 (MANE Select); coding-DNA positions 4834 to 4837, CAGA replaced by AGG.
Protein change: p.Gln1612fs; shifts the reading frame from glutamine 1612.
Molecular consequence: frameshift variant. On other transcripts: intron variant (1).
Genome position (GRCh38, 1-based): chr17:43,071,077-43,071,080, TCTG replaced by CCT on the plus strand (CAGA replaced by AGG on the coding strand, the reverse complement: BRCA1 is on the minus strand). VCF-style: chr17-43071077-TCTG-CCT. GRCh37 (hg19) VCF-style: chr17-41223094-TCTG-CCT.
Other names: c.1522_1525delinsAGG, p.Gln508fs (NM_001407985.1, NM_001407986.1, NM_001407990.1 and 12 more transcripts); c.4705_4708delinsAGG, p.Gln1569fs (NM_001407686.1, NM_001407687.1, NM_001407688.1 and 6 more transcripts); c.4693_4696delinsAGG, p.Gln1565fs (NM_001407725.1, NM_001407726.1, NM_001407727.1 and 13 more transcripts); c.1519_1522delinsAGG, p.Gln507fs (NM_001408392.1, NM_001408398.1, NM_001408399.1 and 8 more transcripts); c.4690_4693delinsAGG, p.Gln1564fs (NM_001407732.1, NM_001407742.1, NM_001407733.1 and 21 more transcripts); c.4834_4837delinsAGG, p.Gln1612fs (NM_001407593.1, NM_001407594.1, NM_001407596.1 and 8 more transcripts); c.4831_4834delinsAGG, p.Gln1611fs (NM_001407610.1, NM_001407619.1, NM_001407620.1 and 17 more transcripts); c.4828_4831delinsAGG, p.Gln1610fs (NM_001407627.1, NM_001407636.1, NM_001407637.1 and 14 more transcripts); and 71 more; short protein forms Q1458fs, Q1483fs, Q1485fs, Q1540fs, Q1542fs, Q1543fs, Q1564fs, Q1584fs.
Identifiers: ClinVar variation 4215066 (VCV004215066.1).

ClinVar aggregate classification (germline): Pathogenic (1 of 4 stars; one submission).

Conditions:
Hereditary cancer-predisposing syndrome. Also called: Neoplastic Syndromes, Hereditary; Tumor predisposition; Hereditary Cancer Syndrome; Hereditary neoplastic syndrome. Identifiers: Orphanet 140162, MedGen C0027672, MeSH D009386, MONDO:0015356.

Submission:

Ambry Genetics
Classification: Pathogenic for Hereditary cancer-predisposing syndrome. Last evaluated: 2025-06-25. Review status: criteria provided, single submitter. Criteria: Ambry Variant Classification Scheme 2023. Collection method: clinical testing. Allele origin: germline.
Comment: The c.4834_4837delCAGAinsAGG pathogenic mutation, located in coding exon 14 of the BRCA1 gene, results from the deletion of 4 nucleotides (CAGA) and insertion of 3 nucleotides (AGG) causing a translational frameshift with a predicted alternate stop codon (p.Q1612Rfs*21). This variant is considered to be rare based on population cohorts in the Genome Aggregation Database (gnomAD). This alteration is expected to result in loss of function by premature protein truncation or nonsense-mediated mRNA decay. As such, this alteration is interpreted as a disease-causing mutation.